The following is an entry in ClinVar:

ClinVar aggregate classification (germline): Likely benign (0 of 4 stars; one submission).

Conditions:
MACROD2-related disorder. Also called: MACROD2-related condition.

Allele frequency attached by ClinVar (database versions not stated): gnomAD exomes below 0.00001; TOPMed below 0.00001.
gnomAD v4.1: 6 of 1,613,808 alleles (0.00037%); highest among the groups gnomAD compares: African/African-American, 0.0067%; no homozygotes.

Submission:

PreventionGenetics, part of Exact Sciences
Classification: Likely benign for MACROD2-related condition. Last evaluated: 2019-09-17. Review status: no assertion criteria provided. Collection method: clinical testing. Allele origin: germline.
Comment: This variant is classified as likely benign based on ACMG/AMP sequence variant interpretation guidelines (Richards et al. 2015 PMID: 25741868, with internal and published modifications).

NM_001351661.2(MACROD2):c.483T>G (p.Leu161=)

Gene: MACROD2 (mono-ADP ribosylhydrolase 2; plus strand). Cytogenetic location: 20p12.1.
Variant type: single nucleotide variant.
Coding change: c.483T>G on transcript NM_001351661.2 (MANE Select); coding-DNA position 483, T replaced by G.
Protein change: p.Leu161=; no amino-acid change (leucine 161 retained).
Molecular consequence: synonymous variant. On other transcripts: 5 prime UTR variant (2).
Genome position (GRCh38, 1-based): chr20:15,230,004, T>G. VCF-style: chr20-15230004-T-G. GRCh37 (hg19) VCF-style: chr20-15210650-T-G.
Other names: c.483T>G, p.Leu161= (NM_001033086.1, NM_001351663.2, NM_080676.6); c.-223T>G (NM_001033087.2, NM_001351664.2).
Identifiers: ClinVar variation 3039790 (VCV003039790.2), dbSNP rs2076945732, ClinGen allele CA509806465.
Genomic context (GRCh38, chr20:15,230,004, plus strand): 5'-CATCCATACTGTAGGGCCAATAGCCAGGGGCCATATTAATGGTTCCCACAAGGAAGACCT[T>G]GCAAATTGCTATAAATCATCTCTGAAGCTCGTGAAAGAAAATAACATCCGATCAGTTGTA-3'
Protein context (NP_001338590.1, residues 151-171): GHINGSHKED[Leu161=]ANCYKSSLKL